The following is an entry in ClinVar:

NM_007294.4(BRCA1):c.301+3_301+8del

Gene: BRCA1 (BRCA1 DNA repair associated; minus strand). Cytogenetic location: 17q21.31.
Variant type: Deletion.
Coding change: c.301+3_301+8del on transcript NM_007294.4 (MANE Select); bases 3 to 8 of the intron after coding-DNA position 301, 6 bases deleted (AAGTGT; older notation c.301+3_301+8delAAGTGT).
Molecular consequence: splice donor variant. On other transcripts: intron variant (5).
Genome position (GRCh38, 1-based): chr17:43,104,860-43,104,865, ACACTT deleted on the plus strand (AAGTGT on the coding strand, the reverse complement: BRCA1 is on the minus strand); deleting any 6 consecutive bases within chr17:43,104,860-43,104,870 gives the same sequence; the c. name uses the placement nearest the transcript's 3' end. VCF-style (leftmost placement, unchanged base first): chr17-43104859-AACACTT-A. GRCh37 (hg19) VCF-style: chr17-41256876-AACACTT-A.
Other names: c.160+3_160+8del (NM_001408458.1, NM_001407931.1, NM_001407747.1 and 99 more transcripts); c.-218-10005_-218-10000del (NM_001407967.1, NM_001407966.1); c.-81+3_-81+8del (NM_001407959.1, NM_001407962.1, NM_001408512.1 and 4 more transcripts); c.91+3_91+8del (NM_001407885.1, NM_001407886.1, NM_001407898.1 and 58 more transcripts); c.301+3_301+8del (NM_001407686.1, NM_001408397.1, NM_001407632.1 and 164 more transcripts); c.169+3_169+8del (NM_001408451.1); c.223+3_223+8del (NM_001408475.1, NM_001407875.1, NM_001407659.1 and 21 more transcripts); c.292+12_292+17del (NM_001408408.1, NM_001407647.1, NM_001407646.1).
Identifiers: ClinVar variation 1798805 (VCV001798805.2), dbSNP rs2552253951, ClinGen allele CA2580093812.

ClinVar aggregate classification (germline): Uncertain significance (1 of 4 stars; one submission).

Conditions:
Hereditary cancer-predisposing syndrome. Also called: Neoplastic Syndromes, Hereditary; Tumor predisposition; Hereditary Cancer Syndrome; Hereditary neoplastic syndrome. Identifiers: Orphanet 140162, MedGen C0027672, MeSH D009386, MONDO:0015356.

Submission:

Ambry Genetics
Classification: Uncertain significance for Hereditary cancer-predisposing syndrome. Last evaluated: 2021-04-23. Review status: criteria provided, single submitter. Criteria: Ambry Variant Classification Scheme 2023. Collection method: clinical testing. Allele origin: germline.
Comment: The c.301+3_301+8delAAGTGT intronic variant is located 3 nucleotides after coding exon 4 in the BRCA1 gene. This variant results from a deletion of 6 nucleotides at positions c.301+3 to c.301+8. This nucleotide region is well conserved in available vertebrate species. In silico splice site analysis predicts that this alteration will weaken the native splice donor site. Since supporting evidence is limited at this time, the clinical significance of this alteration remains unclear.